The following is an entry in ClinVar:

NM_139343.3(BIN1):c.969_980dup (p.Thr327_Leu328insProGlyAlaThr)

Gene: BIN1 (bridging integrator 1; minus strand). Cytogenetic location: 2q14.3.
Variant type: Duplication.
Coding change: c.969_980dup on transcript NM_139343.3 (MANE Select); coding-DNA positions 969 to 980, 12 bases duplicated (GCCCGGGGCCAC).
Protein change: p.Thr327_Leu328insProGlyAlaThr.
Molecular consequence: inframe insertion.
Genome position (GRCh38, 1-based): chr2:127,059,033-127,059,044, GTGGCCCCGGGC duplicated on the plus strand (GCCCGGGGCCAC on the coding strand, the reverse complement: BIN1 is on the minus strand); duplicating any 12 consecutive bases within chr2:127,059,033-127,059,053 gives the same sequence; the c. name uses the placement nearest the transcript's 3' end. VCF-style (leftmost placement, unchanged base first): chr2-127059032-G-GGTGGCCCCGGGC. GRCh37 (hg19) VCF-style: chr2-127816608-G-GGTGGCCCCGGGC.
Other names: c.921_932dup, p.Thr311_Leu312insProGlyAlaThr (NM_001320632.2, NM_004305.4, NM_139346.3); c.969_980dup, p.Thr327_Leu328insProGlyAlaThr (NM_001320633.2, NM_001320640.2, NM_139344.3 and 1 more transcripts); c.804_815dup, p.Thr272_Leu273insProGlyAlaThr (NM_001320634.1); c.876_887dup, p.Thr296_Leu297insProGlyAlaThr (NM_001320641.2, NM_139347.3, NM_139348.3 and 3 more transcripts); c.888_899dup, p.Thr300_Leu301insProGlyAlaThr (NM_001320642.1).
Identifiers: ClinVar variation 2013361 (VCV002013361.4), dbSNP rs754515412, ClinGen allele CA1857217.

ClinVar aggregate classification (germline): Uncertain significance (1 of 4 stars; one submission).

Conditions:
Myopathy, centronuclear, 2 (CNM2). Also called: MYOTUBULAR MYOPATHY, AUTOSOMAL RECESSIVE. Identifiers: Orphanet 169186, MedGen CN031787, MONDO:0009709, OMIM 255200.

Submission:

Labcorp Genetics (formerly Invitae), Labcorp
Classification: Uncertain significance for Myopathy, centronuclear, 2. Last evaluated: 2022-08-31. Review status: criteria provided, single submitter. Criteria: Invitae Variant Classification Sherloc (09022015). Collection method: clinical testing. Allele origin: germline.
Comment: This variant is present in population databases (rs754515412, gnomAD 0.004%). This variant has not been reported in the literature in individuals affected with BIN1-related conditions. Experimental studies and prediction algorithms are not available or were not evaluated, and the functional significance of this variant is currently unknown. In summary, the available evidence is currently insufficient to determine the role of this variant in disease. Therefore, it has been classified as a Variant of Uncertain Significance. This variant, c.969_980dup, results in the insertion of 4 amino acid(s) of the BIN1 protein (p.Pro324_Thr327dup), but otherwise preserves the integrity of the reading frame.